The following is an entry in ClinVar:

ClinVar aggregate classification (germline): Pathogenic (1 of 4 stars; one submission).

Conditions:
Charcot-Marie-Tooth disease type 2. Also called: Charcot-Marie-Tooth type 2. Identifiers: Orphanet 64746, MedGen C0270914, MONDO:0018993.

Submission:

Labcorp Genetics (formerly Invitae), Labcorp
Classification: Pathogenic for Charcot-Marie-Tooth disease type 2. Last evaluated: 2020-10-01. Review status: criteria provided, single submitter. Criteria: Invitae Variant Classification Sherloc (09022015). Collection method: clinical testing. Allele origin: germline.
Comment: Loss-of-function variants in BSCL2 are known to be pathogenic (PMID: 11479539, 23564749). For these reasons, this variant has been classified as Pathogenic. This variant has not been reported in the literature in individuals with BSCL2-related conditions. ClinVar contains an entry for this variant (Variation ID: 476817). This variant is not present in population databases (ExAC no frequency). This sequence change creates a premature translational stop signal (p.Asp306Cysfs*6) in the BSCL2 gene. It is expected to result in an absent or disrupted protein product.

Literature cited by the submitters: PubMed 11479539; PubMed 23564749.

NM_001122955.4(BSCL2):c.1108_1109del (p.Asp370fs)

Genes: BSCL2 (BSCL2 lipid droplet biogenesis associated, seipin; minus strand), HNRNPUL2-BSCL2 (HNRNPUL2-BSCL2 readthrough (NMD candidate); minus strand). Cytogenetic location: 11q12.3.
Variant type: Deletion.
Coding change: c.1108_1109del on transcript NM_001122955.4 (MANE Select); coding-DNA positions 1108 to 1109, 2 bases deleted (GA; older notation c.1108_1109delGA).
Protein change: p.Asp370fs; shifts the reading frame from aspartic acid 370.
Molecular consequence: frameshift variant. On other transcripts: non-coding transcript variant (1).
Genome position (GRCh38, 1-based): chr11:62,690,831-62,690,832, TC deleted on the plus strand (GA on the coding strand, the reverse complement: BSCL2 is on the minus strand); deleting any 2 consecutive bases within chr11:62,690,831-62,690,833 gives the same sequence; the c. name uses the placement nearest the transcript's 3' end. VCF-style (leftmost placement, unchanged base first): chr11-62690830-ATC-A. GRCh37 (hg19) VCF-style: chr11-62458302-ATC-A.
Other names: c.916_917delGA (NM_032667.6); c.774_775del, p.Gln258fs (NM_001130702.2); c.1114_1115del, p.Asp372fs (NM_001386027.1); c.1108_1109del, p.Asp370fs (NM_001386028.1); c.916_917del, p.Asp306fs (NM_032667.6); short protein forms D370fs, D306fs, Q258fs, D372fs.
Identifiers: ClinVar variation 476817 (VCV000476817.6), dbSNP rs1554982914, ClinGen allele CA658658065.
Genomic context (GRCh38, chr11:62,690,830, plus strand): 5'-TGGTGGCTGCGCCATACCTGTCCCTGAGGGATCTTCAGGGCTCTCACCATCCTCTGTAAC[ATC>A]TGATTGCGGAGTTGACTCCTCCTGGCCTTCAGGCCCTGCACCTCCAAAGAGGGAGAGGAC-3'